The following is an entry in ClinVar:

NM_004064.5(CDKN1B):c.130G>T (p.Asp44Tyr)

Gene: CDKN1B (cyclin dependent kinase inhibitor 1B; plus strand). Cytogenetic location: 12p13.1.
Variant type: single nucleotide variant.
Coding change: c.130G>T on transcript NM_004064.5 (MANE Select); coding-DNA position 130, G replaced by T.
Protein change: p.Asp44Tyr; replaces aspartic acid 44 with tyrosine.
Molecular consequence: missense variant.
Genome position (GRCh38, 1-based): chr12:12,717,969, G>T. VCF-style: chr12-12717969-G-T. GRCh37 (hg19) VCF-style: chr12-12870903-G-T.
Other names: c.130G>T (NM_004064.3); short protein forms D44Y.
Identifiers: ClinVar variation 1524053 (VCV001524053.11), dbSNP rs2136355606, ClinGen allele CA383968849.

ClinVar aggregate classification (germline): Uncertain significance. Review status: criteria provided, multiple submitters, no conflicts (2 of 4 stars). 4 submissions from 4 submitters: Uncertain significance (4). Last evaluated 2024-12-12.

Conditions:
Multiple endocrine neoplasia type 4. Also called: MULTIPLE ENDOCRINE NEOPLASIA, TYPE IV. Identifiers: Orphanet 276152, MedGen C1970712, MONDO:0012552, OMIM 610755.
Hereditary cancer-predisposing syndrome. Also called: Tumor predisposition; Hereditary neoplastic syndrome; Neoplastic Syndromes, Hereditary; Hereditary Cancer Syndrome. Identifiers: Orphanet 140162, MedGen C0027672, MeSH D009386, MONDO:0015356.

Submissions (4):

Ambry Genetics
Classification: Uncertain significance for Hereditary cancer-predisposing syndrome. Last evaluated: 2024-12-12. Review status: criteria provided, single submitter. Criteria: Ambry Variant Classification Scheme 2023. Collection method: clinical testing. Allele origin: germline.
Comment: The p.D44Y variant (also known as c.130G>T), located in coding exon 1 of the CDKN1B gene, results from a G to T substitution at nucleotide position 130. The aspartic acid at codon 44 is replaced by tyrosine, an amino acid with highly dissimilar properties. This amino acid position is conserved. In addition, the in silico prediction for this alteration is inconclusive. Based on the available evidence, the clinical significance of this variant remains unclear.

Fulgent Genetics
Classification: Uncertain significance for Multiple endocrine neoplasia type 4. Last evaluated: 2024-02-26. Review status: criteria provided, single submitter. Criteria: ACMG Guidelines, 2015. Collection method: clinical testing. Allele origin: germline.

Baylor Genetics
Classification: Uncertain significance for Multiple endocrine neoplasia type 4. Last evaluated: 2024-01-30. Review status: criteria provided, single submitter. Criteria: ACMG Guidelines, 2015. Collection method: clinical testing. Allele origin: unknown.

Labcorp Genetics (formerly Invitae), Labcorp
Classification: Uncertain significance for Multiple endocrine neoplasia type 4. Last evaluated: 2021-04-08. Review status: criteria provided, single submitter. Criteria: Invitae Variant Classification Sherloc (09022015). Collection method: clinical testing. Allele origin: germline.
Comment: In summary, the available evidence is currently insufficient to determine the role of this variant in disease. Therefore, it has been classified as a Variant of Uncertain Significance. Algorithms developed to predict the effect of sequence changes on RNA splicing suggest that this variant may create or strengthen a splice site, but this prediction has not been confirmed by published transcriptional studies. Algorithms developed to predict the effect of missense changes on protein structure and function (SIFT, PolyPhen-2, Align-GVGD) all suggest that this variant is likely to be disruptive, but these predictions have not been confirmed by published functional studies and their clinical significance is uncertain. This variant has not been reported in the literature in individuals with CDKN1B-related conditions. This variant is not present in population databases (ExAC no frequency). This sequence change replaces aspartic acid with tyrosine at codon 44 of the CDKN1B protein (p.Asp44Tyr). The aspartic acid residue is highly conserved and there is a large physicochemical difference between aspartic acid and tyrosine.